The following is an entry in ClinVar:

NM_016734.3(PAX5):c.1144C>T (p.Pro382Ser)

Gene: PAX5 (paired box 5; minus strand). Cytogenetic location: 9p13.2.
Variant type: single nucleotide variant.
Coding change: c.1144C>T on transcript NM_016734.3 (MANE Select); coding-DNA position 1144, C replaced by T.
Protein change: p.Pro382Ser; replaces proline 382 with serine.
Molecular consequence: missense variant. On other transcripts: synonymous variant (2), non-coding transcript variant (2).
Genome position (GRCh38, 1-based): chr9:36,840,592, G>A on the plus strand (C>T on the coding strand, the complement: PAX5 is on the minus strand). VCF-style: chr9-36840592-G-A. GRCh37 (hg19) VCF-style: chr9-36840589-G-A.
Other names: c.1042C>T, p.Pro348Ser (NM_001280547.2); c.1057C>T, p.Pro353Ser (NM_001280548.2); c.912C>T, p.His304= (NM_001280549.2); c.825C>T, p.His275= (NM_001280550.2); c.631C>T, p.Pro211Ser (NM_001280551.2); c.955C>T, p.Pro319Ser (NM_001280552.2); c.928C>T, p.Pro310Ser (NM_001280553.2); c.1015C>T, p.Pro339Ser (NM_001280554.2); and 2 more; short protein forms P282S, P382S, P348S, P339S, P211S, P274S, P310S, P319S.
Identifiers: ClinVar variation 3885926 (VCV003885926.1).

ClinVar aggregate classification (germline): Uncertain significance (1 of 4 stars; one submission).

Conditions:
Inborn genetic diseases. Identifiers: MedGen C0950123, MeSH D030342.

gnomAD v4.1: 1 of 1,585,356 alleles (0.000063%); highest among the groups gnomAD compares: Non-Finnish European, 0.000086%; no homozygotes.

Submission:

Ambry Genetics
Classification: Uncertain significance for Inborn genetic diseases. Last evaluated: 2025-01-14. Review status: criteria provided, single submitter. Criteria: Ambry Variant Classification Scheme 2023. Collection method: clinical testing. Allele origin: germline.
Comment: The p.P382S variant (also known as c.1144C>T), located in coding exon 10 of the PAX5 gene, results from a C to T substitution at nucleotide position 1144. The proline at codon 382 is replaced by serine, an amino acid with similar properties. This amino acid position is conserved. In addition, the in silico prediction for this alteration is inconclusive. Based on the available evidence, the clinical significance of this variant remains unclear.